The following is an entry in ClinVar:

NM_001267550.2(TTN):c.19418G>T (p.Arg6473Ile)

Gene: TTN (titin; minus strand). Cytogenetic location: 2q31.2.
Variant type: single nucleotide variant.
Coding change: c.19418G>T on transcript NM_001267550.2 (MANE Select); coding-DNA position 19418, G replaced by T.
Protein change: p.Arg6473Ile; replaces arginine 6473 with isoleucine.
Molecular consequence: missense variant. On other transcripts: intron variant (3).
Genome position (GRCh38, 1-based): chr2:178,728,508, C>A on the plus strand (G>T on the coding strand, the complement: TTN is on the minus strand). VCF-style: chr2-178728508-C-A. GRCh37 (hg19) VCF-style: chr2-179593235-C-A.
Other names: c.18467G>T, p.Arg6156Ile (NM_001256850.1); c.15686G>T, p.Arg5229Ile (NM_133378.4); c.13282+9574G>T (NM_003319.4); c.13858+9574G>T (NM_133437.4); c.13657+9574G>T (NM_133432.3); short protein forms R5229I, R6156I, R6473I.
Identifiers: ClinVar variation 2578211 (VCV002578211.2), dbSNP rs747454325, ClinGen allele CA2001414.
Genomic context (GRCh38, chr2:178,728,508, plus strand): 5'-TACAAAGGACATACTATAAATAAGGGAAGCTGACTGGGGTGAAGATACAAACCTAGCACT[C>A]TTAAGTAGGCATCACAGCTACTGCTTCCGAAGTCATTTTCCACCTTGAAAGTGTACTGAC-3'
Protein context (NP_001254479.2, residues 6463-6483): FGSSSCDAYL[Arg6473Ile]VLDQNIPPSF

ClinVar aggregate classification (germline): Uncertain significance (1 of 4 stars; one submission).

Allele frequency attached by ClinVar (database versions not stated): gnomAD exomes below 0.00001; ExAC 0.00001; TOPMed 0.00002; gnomAD 0.00003.
gnomAD v4.1: 10 of 1,609,470 alleles (0.00062%); highest among the groups gnomAD compares: African/African-American, 0.013%; no homozygotes.

Submission:

GeneDx
Classification: Uncertain significance. Last evaluated: 2025-01-29. Review status: criteria provided, single submitter. Criteria: GeneDx Variant Classification Process June 2021. Collection method: clinical testing. Allele origin: germline. Affected: yes.
Comment: Not observed at significant frequency in large population cohorts (gnomAD); Missense variant in a gene in which most reported pathogenic variants are truncating/loss of function; Has not been previously published as pathogenic or benign to our knowledge